The following is an entry in ClinVar:

NM_001042492.3(NF1):c.4873_4874dup (p.His1626fs)

Gene: NF1 (neurofibromin 1; plus strand). Cytogenetic location: 17q11.2.
Variant type: Microsatellite.
Coding change: c.4873_4874dup on transcript NM_001042492.3 (MANE Select); coding-DNA positions 4873 to 4874, 2 bases duplicated (TA; older notation c.4873_4874dupTA).
Protein change: p.His1626fs; shifts the reading frame from histidine 1626.
Molecular consequence: frameshift variant.
Genome position (GRCh38, 1-based): chr17:31,325,857-31,325,858, TA duplicated; duplicating any 2 consecutive bases within chr17:31,325,854-31,325,858 gives the same sequence; the c. name uses the placement nearest the transcript's 3' end. VCF-style (leftmost placement, unchanged base first): chr17-31325853-G-GAT. GRCh37 (hg19) VCF-style: chr17-29652871-G-GAT.
Other names: c.4808_4809TA[3], p.His1605Thrfs (NM_000267.4); short protein forms H1626fs, H1605fs.
Identifiers: ClinVar variation 457724 (VCV000457724.8), dbSNP rs1555533284, ClinGen allele CA658658543.

ClinVar aggregate classification (germline): Pathogenic. Review status: criteria provided, multiple submitters, no conflicts (2 of 4 stars). 3 submissions from 3 submitters: Pathogenic (3). Last evaluated 2023-04-20.

Conditions:
Neurofibromatosis, type 1 (NF1). Also called: VON RECKLINGHAUSEN DISEASE; NEUROFIBROMATOSIS, TYPE I, SOMATIC; Peripheral type neurofibromatosis; Neurofibromatosis, type I. Identifiers: Orphanet 636, MedGen C0027831, MONDO:0018975, OMIM 162200. Disease mechanism: loss of function.
Cardiovascular phenotype. Identifiers: MedGen CN230736.
Hereditary cancer-predisposing syndrome. Also called: Hereditary Cancer Syndrome; Hereditary neoplastic syndrome; Tumor predisposition; Neoplastic Syndromes, Hereditary. Identifiers: Orphanet 140162, MedGen C0027672, MeSH D009386, MONDO:0015356.

Submissions (3):

Ambry Genetics
Classification: Pathogenic for Cardiovascular phenotype; Hereditary cancer-predisposing syndrome. Last evaluated: 2023-04-20. Review status: criteria provided, single submitter. Criteria: Ambry Variant Classification Scheme 2023. Collection method: clinical testing. Allele origin: germline.
Comment: The c.4810_4811dupTA pathogenic mutation, located in coding exon 36 of the NF1 gene, results from a duplication of TA at nucleotide position 4810, causing a translational frameshift with a predicted alternate stop codon (p.H1605Tfs*5). This alteration is expected to result in loss of function by premature protein truncation or nonsense-mediated mRNA decay. As such, this alteration is interpreted as a disease-causing mutation.

Institute of Medical Genetics and Applied Genomics, University Hospital Tübingen
Classification: Pathogenic for Neurofibromatosis, type 1. Last evaluated: 2022-08-26. Review status: criteria provided, single submitter. Criteria: ACMG Guidelines, 2015. Collection method: clinical testing. Allele origin: germline. Inheritance: Autosomal dominant inheritance. Affected: yes.

Labcorp Genetics (formerly Invitae), Labcorp
Classification: Pathogenic for Neurofibromatosis, type 1. Last evaluated: 2022-06-26. Review status: criteria provided, single submitter. Criteria: Invitae Variant Classification Sherloc (09022015). Collection method: clinical testing. Allele origin: germline.
Comment: This sequence change creates a premature translational stop signal (p.His1605Thrfs*5) in the NF1 gene. It is expected to result in an absent or disrupted protein product. Loss-of-function variants in NF1 are known to be pathogenic (PMID: 10712197, 23913538). For these reasons, this variant has been classified as Pathogenic. ClinVar contains an entry for this variant (Variation ID: 457724). This variant has not been reported in the literature in individuals affected with NF1-related conditions. This variant is not present in population databases (gnomAD no frequency).

Literature cited by the submitters: PubMed 10712197 (cited by Labcorp Genetics (formerly Invitae), Labcorp); PubMed 23913538 (cited by Labcorp Genetics (formerly Invitae), Labcorp).